The following is an entry in ClinVar:

ClinVar aggregate classification (germline): Conflicting classifications of pathogenicity. Review status: criteria provided, conflicting classifications (1 of 4 stars). 3 submissions from 3 submitters: Likely pathogenic (1); Uncertain significance (1). 1 of the submissions does not count toward it. Last evaluated 2024-10-25.

Conditions:
Hypomyelination with brain stem and spinal cord involvement and leg spasticity. Also called: ASPARTYL-tRNA SYNTHETASE DEFICIENCY; Hypomyelination with brainstem and spinal cord involvement and leg spasticity. Identifiers: Orphanet 363412, MedGen C4755254, MONDO:0014115, OMIM 615281.

Allele frequency attached by ClinVar (database versions not stated): TOPMed 0.00002; gnomAD exomes below 0.00001 and 0.00001; gnomAD 0.00001.
gnomAD v4.1: 6 of 1,607,906 alleles (0.00037%); highest among the groups gnomAD compares: South Asian, 0.0011%; no homozygotes.

Submissions (3):

Labcorp Genetics (formerly Invitae), Labcorp
Classification: Uncertain significance. Last evaluated: 2024-10-25. Review status: criteria provided, single submitter. Criteria: Invitae Variant Classification Sherloc (09022015). Collection method: clinical testing. Allele origin: germline.
Comment: This sequence change replaces arginine, which is basic and polar, with cysteine, which is neutral and slightly polar, at codon 487 of the DARS protein (p.Arg487Cys). This variant is present in population databases (no rsID available, gnomAD 0.002%). This missense change has been observed in individuals with clinical features of leukodystrophy (PMID: 23643384; internal data). ClinVar contains an entry for this variant (Variation ID: 50989). Invitae Evidence Modeling of protein sequence and biophysical properties (such as structural, functional, and spatial information, amino acid conservation, physicochemical variation, residue mobility, and thermodynamic stability) indicates that this missense variant is expected to disrupt DARS protein function with a positive predictive value of 80%. Algorithms developed to predict the effect of sequence changes on RNA splicing suggest that this variant may disrupt the consensus splice site. In summary, the available evidence is currently insufficient to determine the role of this variant in disease. Therefore, it has been classified as a Variant of Uncertain Significance.

GeneDx
Classification: Likely pathogenic. Last evaluated: 2016-01-04. Review status: criteria provided, single submitter. Criteria: GeneDx Variant Classification (06012015). Collection method: clinical testing. Allele origin: germline. Affected: yes.
Comment: The R487C variant in the DARS gene has been reported in the homozygous state in a proband with diffuse hypomyelination of the cerebral white matter, striking abnormalities of specific brain stem structures, nystagmus, severe leg spasticity, and mild cerebellar dysfunction (Taft et al., 2013). The R487C variant was not observed in approximately 6500 individuals of European and African American ancestry in the NHLBI Exome Sequencing Project, indicating it is not a common benign variant in these populations. The R487C variant is a non-conservative amino acid substitution, which occurs within the AA_TRNA_LIGASE_II domain at a position that is conserved across species. In silico analysis predicts this variant is probably damaging to the protein structure/function. The R487C variant is a strong candidate for a pathogenic variant.

OMIM
Classification: Pathogenic for HYPOMYELINATION WITH BRAINSTEM AND SPINAL CORD INVOLVEMENT AND LEG SPASTICITY. Last evaluated: 2013-05-02. Review status: no assertion criteria provided. Collection method: literature only. Allele origin: germline. Not counted in ClinVar's aggregate classification.

Literature cited by the submitters: PubMed 23643384 (cited by Labcorp Genetics (formerly Invitae), Labcorp and OMIM).

NM_001349.4(DARS1):c.1459C>T (p.Arg487Cys)

Gene: DARS1 (aspartyl-tRNA synthetase 1; minus strand). Cytogenetic location: 2q21.3.
Variant type: single nucleotide variant.
Coding change: c.1459C>T on transcript NM_001349.4 (MANE Select); coding-DNA position 1459, C replaced by T.
Protein change: p.Arg487Cys; replaces arginine 487 with cysteine.
Molecular consequence: missense variant.
Genome position (GRCh38, 1-based): chr2:135,907,363, G>A on the plus strand (C>T on the coding strand, the complement: DARS1 is on the minus strand). VCF-style: chr2-135907363-G-A. GRCh37 (hg19) VCF-style: chr2-136664933-G-A.
Other names: c.1159C>T, p.Arg387Cys (NM_001293312.1); short protein forms R487C, R387C.
Identifiers: ClinVar variation 50989 (VCV000050989.8), dbSNP rs587776984, ClinGen allele CA143918.